The following is an entry in ClinVar:

NM_182961.4(SYNE1):c.19554C>T (p.Pro6518=)

Gene: SYNE1 (spectrin repeat containing nuclear envelope protein 1; minus strand). Cytogenetic location: 6q25.2.
Variant type: single nucleotide variant.
Coding change: c.19554C>T on transcript NM_182961.4 (MANE Select); coding-DNA position 19554, C replaced by T.
Protein change: p.Pro6518=; no amino-acid change (proline 6518 retained).
Molecular consequence: synonymous variant.
Genome position (GRCh38, 1-based): chr6:152,249,179, G>A on the plus strand (C>T on the coding strand, the complement: SYNE1 is on the minus strand). VCF-style: chr6-152249179-G-A. GRCh37 (hg19) VCF-style: chr6-152570314-G-A.
Other names: c.19341C>T, p.Pro6447= (NM_033071.5).
Identifiers: ClinVar variation 286575 (VCV000286575.17), dbSNP rs780644969, ClinGen allele CA4054652.
Genomic context (GRCh38, chr6:152,249,179, plus strand): 5'-CTCTATGCATTTTCTCTTCTAGGAAAAGGCAGCTATAAATACCTCTATTTGTTCTGCTAC[G>A]GGCTGTTCAAACACATTTGCCAGTTTTTGCAGAATGATGTATTTGTTGTCAGCCAGTGAT-3'
Protein context (NP_892006.3, residues 6508-6528): LQKLANVFEQ[Pro6518=]VAEQIEAIQQ

ClinVar aggregate classification (germline): Conflicting classifications of pathogenicity. Review status: criteria provided, conflicting classifications (1 of 4 stars). 4 submissions from 4 submitters: Uncertain significance (1); Likely benign (3). Last evaluated 2026-09-01.

Conditions:
Emery-Dreifuss muscular dystrophy 4, autosomal dominant (EDMD4). Also called: EMERY-DREIFUSS MUSCULAR DYSTROPHY 4 WITH VARIABLE FEATURES. Identifiers: Orphanet 261, MedGen C2751807, MONDO:0013071, OMIM 612998.
Autosomal recessive ataxia, Beauce type. Also called: SYNE1-Related Autosomal Recessive Cerebellar Ataxia; SYNE1 Deficiency; ATAXIA, RECESSIVE, OF BEAUCE; Spinocerebellar ataxia, autosomal recessive 8. Identifiers: Orphanet 88644, MedGen C1853116, MONDO:0012549, OMIM 610743.

Allele frequency attached by ClinVar (database versions not stated): gnomAD 0.00008 and 0.00007; ExAC 0.00004; gnomAD exomes 0.00004; TOPMed 0.00005.
gnomAD v4.1: 35 of 1,612,590 alleles (0.0022%); highest among the groups gnomAD compares: East Asian, 0.022%; no homozygotes.

Submissions (4):

CeGaT Center for Human Genetics Tuebingen
Classification: Likely benign. Last evaluated: 2026-09-01. Review status: criteria provided, single submitter. Criteria: CeGaT Center For Human Genetics Tuebingen Variant Classification Criteria Version 2. Collection method: clinical testing. Allele origin: germline. Affected: yes. Observed: 1 variant allele.
Comment: SYNE1: BP4, BP7

Labcorp Genetics (formerly Invitae), Labcorp
Classification: Likely benign for Emery-Dreifuss muscular dystrophy 4, autosomal dominant; Autosomal recessive ataxia, Beauce type. Last evaluated: 2018-10-10. Review status: criteria provided, single submitter. Criteria: Invitae Variant Classification Sherloc (09022015). Collection method: clinical testing. Allele origin: germline.

GeneDx
Classification: Likely benign. Last evaluated: 2018-05-03. Review status: criteria provided, single submitter. Criteria: GeneDx Variant Classification (06012015). Collection method: clinical testing. Allele origin: germline. Affected: yes.
Comment: This variant is considered likely benign or benign based on one or more of the following criteria: it is a conservative change, it occurs at a poorly conserved position in the protein, it is predicted to be benign by multiple in silico algorithms, and/or has population frequency not consistent with disease.

Eurofins Ntd Llc (ga)
Classification: Uncertain significance. Last evaluated: 2016-03-15. Review status: criteria provided, single submitter. Criteria: EGL Classification Definitions 2015. Collection method: clinical testing. Allele origin: germline. Observed: 2 variant alleles, 2 heterozygotes.